The following is an entry in ClinVar:

NM_005619.5(RTN2):c.446G>T (p.Trp149Leu)

Genes: OPA3-RTN2 (OPA3-RTN2 readthrough; minus strand), RTN2 (reticulon 2; minus strand). Cytogenetic location: 19q13.32.
Variant type: single nucleotide variant.
Coding change: c.446G>T on transcript NM_005619.5 (MANE Select); coding-DNA position 446, G replaced by T.
Protein change: p.Trp149Leu; replaces tryptophan 149 with leucine.
Molecular consequence: missense variant.
Genome position (GRCh38, 1-based): chr19:45,494,639, C>A on the plus strand (G>T on the coding strand, the complement: RTN2 is on the minus strand). VCF-style: chr19-45494639-C-A. GRCh37 (hg19) VCF-style: chr19-45997897-C-A.
Other names: c.446G>T, p.Trp149Leu (NM_206900.3); short protein forms W149L.
Identifiers: ClinVar variation 963701 (VCV000963701.9), dbSNP rs750521507, ClinGen allele CA9516257.
Genomic context (GRCh38, chr19:45,494,639, plus strand): 5'-TCCAGCGGGGTGGAGCTGCTGGTGGAAGAGTCCTCCCCGGATCCCGTTCCCCGGGCCACC[C>A]AGCCCAGATGGTCCAACCGAAGCCTCAGGTCTTCCAGAGGGCGCTCGGATGGAGGCGCGG-3'
Protein context (NP_005610.1, residues 139-159): DLRLRLDHLG[Trp149Leu]VARGTGSGED

ClinVar aggregate classification (germline): Uncertain significance (1 of 4 stars; one submission).

Conditions:
Spastic paraplegia. Identifiers: MedGen C0037772, HP:0001258.

Allele frequency attached by ClinVar (database versions not stated): gnomAD exomes below 0.00001; ExAC 0.00001.
gnomAD v4.1: 4 of 1,613,982 alleles (0.00025%); highest among the groups gnomAD compares: Non-Finnish European, 0.00025%; no homozygotes.

Submission:

Labcorp Genetics (formerly Invitae), Labcorp
Classification: Uncertain significance for Spastic paraplegia. Last evaluated: 2022-02-03. Review status: criteria provided, single submitter. Criteria: Invitae Variant Classification Sherloc (09022015). Collection method: clinical testing. Allele origin: germline.
Comment: In summary, the available evidence is currently insufficient to determine the role of this variant in disease. Therefore, it has been classified as a Variant of Uncertain Significance. Algorithms developed to predict the effect of missense changes on protein structure and function are either unavailable or do not agree on the potential impact of this missense change (SIFT: "Tolerated"; PolyPhen-2: "Probably Damaging"; Align-GVGD: "Class C0"). ClinVar contains an entry for this variant (Variation ID: 963701). This variant has not been reported in the literature in individuals affected with RTN2-related conditions. This variant is present in population databases (rs750521507, gnomAD 0.0009%). This sequence change replaces tryptophan, which is neutral and slightly polar, with leucine, which is neutral and non-polar, at codon 149 of the RTN2 protein (p.Trp149Leu).